The following continues an entry in ClinVar:

NM_000202.8(IDS):c.1122C>T (p.Gly374=)

ClinVar aggregate classification (germline): Pathogenic/Likely pathogenic. Pathogenic (7); Likely pathogenic (2).

Literature cited by the submitters, continued: PubMed 16133661 (cited by Labcorp Genetics (formerly Invitae), Labcorp and Laboratory of Diagnosis and Therapy of Lysosomal Disorders, University of Padova); PubMed 17063374 (cited by Labcorp Genetics (formerly Invitae), Labcorp and Laboratory of Diagnosis and Therapy of Lysosomal Disorders, University of Padova); PubMed 21829674 (cited by Labcorp Genetics (formerly Invitae), Labcorp and Laboratory of Diagnosis and Therapy of Lysosomal Disorders, University of Padova); PubMed 22976768 (cited by Labcorp Genetics (formerly Invitae), Labcorp and Laboratory of Diagnosis and Therapy of Lysosomal Disorders, University of Padova); PubMed 27146977 (cited by 3 submitters); PubMed 26407519 (cited by Labcorp Genetics (formerly Invitae), Labcorp and Women's Health and Genetics/Laboratory Corporation of America, LabCorp); PubMed 26693516 (cited by Labcorp Genetics (formerly Invitae), Labcorp); PubMed 9452044 (cited by Women's Health and Genetics/Laboratory Corporation of America, LabCorp and Laboratory of Diagnosis and Therapy of Lysosomal Disorders, University of Padova); PubMed 35144014 (cited by Laboratory of Diagnosis and Therapy of Lysosomal Disorders, University of Padova); PubMed 27896113 (cited by Laboratory of Diagnosis and Therapy of Lysosomal Disorders, University of Padova); PubMed 10215411 (cited by Laboratory of Diagnosis and Therapy of Lysosomal Disorders, University of Padova); PubMed 24125893 (cited by Laboratory of Diagnosis and Therapy of Lysosomal Disorders, University of Padova); PubMed 1303211 (cited by Laboratory of Diagnosis and Therapy of Lysosomal Disorders, University of Padova); PubMed 8281149 (cited by Laboratory of Diagnosis and Therapy of Lysosomal Disorders, University of Padova); PubMed 15614569 (cited by Laboratory of Diagnosis and Therapy of Lysosomal Disorders, University of Padova); PubMed 27883178 (cited by Laboratory of Diagnosis and Therapy of Lysosomal Disorders, University of Padova); PubMed 11462244 (cited by Laboratory of Diagnosis and Therapy of Lysosomal Disorders, University of Padova); PubMed 1639384 (cited by Laboratory of Diagnosis and Therapy of Lysosomal Disorders, University of Padova and OMIM); PubMed 8664909 (cited by Laboratory of Diagnosis and Therapy of Lysosomal Disorders, University of Padova); PubMed 9762601 (cited by Laboratory of Diagnosis and Therapy of Lysosomal Disorders, University of Padova); PubMed 23800320 (cited by Laboratory of Diagnosis and Therapy of Lysosomal Disorders, University of Padova); PubMed 10447264 (cited by Laboratory of Diagnosis and Therapy of Lysosomal Disorders, University of Padova); PubMed 8111411 (cited by Laboratory of Diagnosis and Therapy of Lysosomal Disorders, University of Padova); PubMed 7887413 (cited by Laboratory of Diagnosis and Therapy of Lysosomal Disorders, University of Padova); PubMed 33960103 (cited by Laboratory of Diagnosis and Therapy of Lysosomal Disorders, University of Padova); PubMed 9921913 (cited by Laboratory of Diagnosis and Therapy of Lysosomal Disorders, University of Padova); PubMed 27246110 (cited by Laboratory of Diagnosis and Therapy of Lysosomal Disorders, University of Padova); PubMed 9950361 (cited by Laboratory of Diagnosis and Therapy of Lysosomal Disorders, University of Padova); PubMed 31877959 (cited by Laboratory of Diagnosis and Therapy of Lysosomal Disorders, University of Padova); PubMed 9266380 (cited by Laboratory of Diagnosis and Therapy of Lysosomal Disorders, University of Padova); PubMed 9442913 (cited by Laboratory of Diagnosis and Therapy of Lysosomal Disorders, University of Padova); PubMed 11683780 (cited by Laboratory of Diagnosis and Therapy of Lysosomal Disorders, University of Padova); PubMed 7728156 (cited by Laboratory of Diagnosis and Therapy of Lysosomal Disorders, University of Padova); PubMed 33676511 (cited by Laboratory of Diagnosis and Therapy of Lysosomal Disorders, University of Padova); PubMed 21291454 (cited by Laboratory of Diagnosis and Therapy of Lysosomal Disorders, University of Padova); PubMed 9875019 (cited by Laboratory of Diagnosis and Therapy of Lysosomal Disorders, University of Padova); PubMed 28543354 (cited by Laboratory of Diagnosis and Therapy of Lysosomal Disorders, University of Padova); PubMed 30639582 (cited by Laboratory of Diagnosis and Therapy of Lysosomal Disorders, University of Padova); PubMed 36713083 (cited by Laboratory of Diagnosis and Therapy of Lysosomal Disorders, University of Padova); DOI 10.1016/j.ymgmr.2014.08.006 (cited by IIFP, CONICET-UNLP); NCBI Bookshelf NBK1274 (cited by GeneReviews); PubMed 20301451 (cited by GeneReviews).